The following is an entry in ClinVar:

NM_006348.5(COG5):c.2221G>C (p.Asp741His)

Gene: COG5 (component of oligomeric golgi complex 5; minus strand). Cytogenetic location: 7q22.3.
Variant type: single nucleotide variant.
Coding change: c.2221G>C on transcript NM_006348.5 (MANE Select); coding-DNA position 2221, G replaced by C.
Protein change: p.Asp741His; replaces aspartic acid 741 with histidine.
Molecular consequence: missense variant. On other transcripts: intron variant (1).
Genome position (GRCh38, 1-based): chr7:107,211,173, C>G on the plus strand (G>C on the coding strand, the complement: COG5 is on the minus strand). VCF-style: chr7-107211173-C-G. GRCh37 (hg19) VCF-style: chr7-106851618-C-G.
Other names: c.2314G>C (NM_006348.3); c.2251G>C (NM_181733.2); c.2221G>C, p.Asp741His (NM_001161520.2); c.2059G>C, p.Asp687His (NM_001379511.1); c.2047G>C, p.Asp683His (NM_001379512.1); c.1906G>C, p.Asp636His (NM_001379514.1); c.1651G>C, p.Asp551His (NM_001379515.1); c.1507G>C, p.Asp503His (NM_001379516.1); and 2 more; short protein forms D503H, D741H, D720H, D551H, D683H, D636H, D687H.
Identifiers: ClinVar variation 1375136 (VCV001375136.6), dbSNP rs114023726, ClinGen allele CA4430650.

ClinVar aggregate classification (germline): Uncertain significance. Review status: criteria provided, multiple submitters, no conflicts (2 of 4 stars). 3 submissions from 3 submitters: Uncertain significance (3). Last evaluated 2026-05-02.

Conditions:
Inborn genetic diseases. Identifiers: MedGen C0950123, MeSH D030342.
COG5-congenital disorder of glycosylation. Also called: COG5-CDG; CDG IIi; CONGENITAL DISORDER OF GLYCOSYLATION, TYPE IIi. Identifiers: Orphanet 263487, MedGen C3150876, MONDO:0013325, OMIM 613612.

Allele frequency attached by ClinVar (database versions not stated): 1000 Genomes Project 30x 0.00031; ESP Exome Variant Server 0.00062; ExAC 0.00014; 1000 Genomes Project 0.00020.
gnomAD v4.1: 84 of 1,613,864 alleles (0.0052%); highest among the groups gnomAD compares: African/African-American, 0.11%; no homozygotes.

Submissions (3):

GeneDx
Classification: Uncertain significance. Last evaluated: 2026-05-02. Review status: criteria provided, single submitter. Criteria: GeneDx Variant Classification Process June 2021. Collection method: clinical testing. Allele origin: germline.
Comment: In silico analysis supports that this missense variant has a deleterious effect on protein structure/function; Has not been previously published as pathogenic or benign to our knowledge

Ambry Genetics
Classification: Uncertain significance for Inborn genetic diseases. Last evaluated: 2024-04-04. Review status: criteria provided, single submitter. Criteria: Ambry Variant Classification Scheme 2023. Collection method: clinical testing. Allele origin: germline.

Labcorp Genetics (formerly Invitae), Labcorp
Classification: Uncertain significance for COG5-congenital disorder of glycosylation. Last evaluated: 2022-09-07. Review status: criteria provided, single submitter. Criteria: Invitae Variant Classification Sherloc (09022015). Collection method: clinical testing. Allele origin: germline.
Comment: This sequence change replaces aspartic acid, which is acidic and polar, with histidine, which is basic and polar, at codon 772 of the COG5 protein (p.Asp772His). This variant is present in population databases (rs114023726, gnomAD 0.1%). This variant has not been reported in the literature in individuals affected with COG5-related conditions. ClinVar contains an entry for this variant (Variation ID: 1375136). Algorithms developed to predict the effect of missense changes on protein structure and function are either unavailable or do not agree on the potential impact of this missense change (SIFT: "Deleterious"; PolyPhen-2: "Possibly Damaging"; Align-GVGD: "Class C0"). In summary, the available evidence is currently insufficient to determine the role of this variant in disease. Therefore, it has been classified as a Variant of Uncertain Significance.